The following is an entry in ClinVar:

NM_001572.5(IRF7):c.426G>T (p.Glu142Asp)

Gene: IRF7 (interferon regulatory factor 7; minus strand). Cytogenetic location: 11p15.5.
Variant type: single nucleotide variant.
Coding change: c.426G>T on transcript NM_001572.5 (MANE Select); coding-DNA position 426, G replaced by T.
Protein change: p.Glu142Asp; replaces glutamic acid 142 with aspartic acid.
Molecular consequence: missense variant.
Genome position (GRCh38, 1-based): chr11:614,503, C>A on the plus strand (G>T on the coding strand, the complement: IRF7 is on the minus strand). VCF-style: chr11-614503-C-A. GRCh37 (hg19) VCF-style: chr11-614503-C-A.
Other names: c.426G>T, p.Glu142Asp (NM_004029.4); c.465G>T, p.Glu155Asp (NM_004031.4); short protein forms E155D, E142D.
Identifiers: ClinVar variation 1931285 (VCV001931285.5), dbSNP rs752142358, ClinGen allele CA378982590.

ClinVar aggregate classification (germline): Uncertain significance (1 of 4 stars; one submission).

Conditions:
Immunodeficiency 39 (IMD39). Identifiers: Orphanet 574918, MedGen C4225358, MONDO:0014597, OMIM 616345.

Submission:

Labcorp Genetics (formerly Invitae), Labcorp
Classification: Uncertain significance for Immunodeficiency 39. Last evaluated: 2022-06-20. Review status: criteria provided, single submitter. Criteria: Invitae Variant Classification Sherloc (09022015). Collection method: clinical testing. Allele origin: germline.
Comment: This variant is not present in population databases (gnomAD no frequency). In summary, the available evidence is currently insufficient to determine the role of this variant in disease. Therefore, it has been classified as a Variant of Uncertain Significance. Algorithms developed to predict the effect of missense changes on protein structure and function output the following: SIFT: "Tolerated"; PolyPhen-2: "Benign"; Align-GVGD: "Class C0". The aspartic acid amino acid residue is found in multiple mammalian species, which suggests that this missense change does not adversely affect protein function. This variant has not been reported in the literature in individuals affected with IRF7-related conditions. This sequence change replaces glutamic acid, which is acidic and polar, with aspartic acid, which is acidic and polar, at codon 155 of the IRF7 protein (p.Glu155Asp).